The following is an entry in ClinVar:

ClinVar aggregate classification (germline): Likely benign (1 of 4 stars; one submission).

Conditions:
PLEKHA7-related disorder. Also called: PLEKHA7-related condition.

gnomAD v4.1: 516 of 1,536,038 alleles (0.034%); highest among the groups gnomAD compares: Middle Eastern, 0.57%; 3 homozygotes.

Submission:

PreventionGenetics, part of Exact Sciences
Classification: Likely benign for PLEKHA7-related condition. Last evaluated: 2026-04-20. Review status: criteria provided, single submitter. Criteria: ACMG Guidelines, 2015. Collection method: clinical testing. Allele origin: germline.
Comment: This variant is classified as likely benign based on ACMG/AMP sequence variant interpretation guidelines (Richards et al. 2015 PMID: 25741868, with internal and published modifications).

NM_001329630.2(PLEKHA7):c.3790G>A (p.Ala1264Thr)

Gene: PLEKHA7 (pleckstrin homology domain containing A7; minus strand). Cytogenetic location: 11p15.2.
Variant type: single nucleotide variant.
Coding change: c.3790G>A on transcript NM_001329630.2 (MANE Select); coding-DNA position 3790, G replaced by A.
Protein change: p.Ala1264Thr; replaces alanine 1264 with threonine.
Molecular consequence: missense variant.
Genome position (GRCh38, 1-based): chr11:16,782,757, C>T on the plus strand (G>A on the coding strand, the complement: PLEKHA7 is on the minus strand). VCF-style: chr11-16782757-C-T. GRCh37 (hg19) VCF-style: chr11-16804304-C-T.
Other names: c.3793G>A, p.Ala1265Thr (NM_001410960.1); short protein forms A1265T, A1264T.
Identifiers: ClinVar variation 4981457 (VCV004981457.1).